The following is an entry in ClinVar:

NM_024105.4(ALG12):c.241G>A (p.Ala81Thr)

Gene: ALG12 (ALG12 alpha-1,6-mannosyltransferase; minus strand). Cytogenetic location: 22q13.33.
Variant type: single nucleotide variant.
Coding change: c.241G>A on transcript NM_024105.4 (MANE Select); coding-DNA position 241, G replaced by A.
Protein change: p.Ala81Thr; replaces alanine 81 with threonine.
Molecular consequence: missense variant.
Genome position (GRCh38, 1-based): chr22:49,913,439, C>T on the plus strand (G>A on the coding strand, the complement: ALG12 is on the minus strand). VCF-style: chr22-49913439-C-T. GRCh37 (hg19) VCF-style: chr22-50307087-C-T.
Other names: c.241G>A (NM_024105.3); short protein forms A81T.
Identifiers: ClinVar variation 1381071 (VCV001381071.6), dbSNP rs770434145, ClinGen allele CA10300689.

ClinVar aggregate classification (germline): Uncertain significance. Review status: criteria provided, multiple submitters, no conflicts (2 of 4 stars). 2 submissions from 2 submitters: Uncertain significance (2). Last evaluated 2026-02-18.

Conditions:
ALG12-congenital disorder of glycosylation (CDG1G). Also called: Congenital disorder of glycosylation, type Ig; CDG Ig; ALG12-CDG. Identifiers: Orphanet 79324, MedGen C2931001, MONDO:0011783, OMIM 607143.

Allele frequency attached by ClinVar (database versions not stated): gnomAD exomes 0.00003 and 0.00004; gnomAD 0.00005 and 0.00006; TOPMed 0.00006; ExAC 0.00003.
gnomAD v4.1: 54 of 1,613,882 alleles (0.0033%); highest among the groups gnomAD compares: Admixed American, 0.015%; no homozygotes.

Submissions (2):

GeneDx
Classification: Uncertain significance. Last evaluated: 2026-02-18. Review status: criteria provided, single submitter. Criteria: GeneDx Variant Classification Process June 2021. Collection method: clinical testing. Allele origin: germline.
Comment: In silico analysis suggests that this missense variant does not alter protein structure/function; This variant is associated with the following publications: (PMID: 21029365, 19862844, 17506657, 16435218)

Labcorp Genetics (formerly Invitae), Labcorp
Classification: Uncertain significance for ALG12-congenital disorder of glycosylation. Last evaluated: 2022-09-27. Review status: criteria provided, single submitter. Criteria: Invitae Variant Classification Sherloc (09022015). Collection method: clinical testing. Allele origin: germline.
Comment: This sequence change replaces alanine, which is neutral and non-polar, with threonine, which is neutral and polar, at codon 81 of the ALG12 protein (p.Ala81Thr). This variant is present in population databases (rs770434145, gnomAD 0.02%). This missense change has been observed in individual(s) with ALG12-congenital disorder of glycosylation (CDG-Ig) (PMID: 16435218). ClinVar contains an entry for this variant (Variation ID: 1381071). Advanced modeling of protein sequence and biophysical properties (such as structural, functional, and spatial information, amino acid conservation, physicochemical variation, residue mobility, and thermodynamic stability) performed at Invitae indicates that this missense variant is not expected to disrupt ALG12 protein function. In summary, the available evidence is currently insufficient to determine the role of this variant in disease. Therefore, it has been classified as a Variant of Uncertain Significance.

Literature cited by the submitters: PubMed 16435218 (cited by Labcorp Genetics (formerly Invitae), Labcorp).